The following is an entry in ClinVar:

ClinVar aggregate classification (germline): Uncertain significance (1 of 4 stars; one submission).

Allele frequency attached by ClinVar (database versions not stated): gnomAD 0.00001; TOPMed 0.00001.

Submission:

Labcorp Genetics (formerly Invitae), Labcorp
Classification: Uncertain significance. Last evaluated: 2022-06-29. Review status: criteria provided, single submitter. Criteria: Invitae Variant Classification Sherloc (09022015). Collection method: clinical testing. Allele origin: germline.
Comment: This variant is present in population databases (no rsID available, gnomAD 0.003%). This sequence change creates a premature translational stop signal (p.Arg100*) in the MGP gene. While this is not anticipated to result in nonsense mediated decay, it is expected to disrupt the last 4 amino acid(s) of the MGP protein. This variant has not been reported in the literature in individuals affected with MGP-related conditions. In summary, the available evidence is currently insufficient to determine the role of this variant in disease. Therefore, it has been classified as a Variant of Uncertain Significance. Experimental studies and prediction algorithms are not available or were not evaluated, and the functional significance of this variant is currently unknown.

NM_000900.5(MGP):c.298C>T (p.Arg100Ter)

Gene: MGP (matrix Gla protein; minus strand). Cytogenetic location: 12p12.3.
Variant type: single nucleotide variant.
Coding change: c.298C>T on transcript NM_000900.5 (MANE Select); coding-DNA position 298, C replaced by T.
Protein change: p.Arg100Ter; replaces arginine 100 with a stop codon.
Molecular consequence: nonsense.
Genome position (GRCh38, 1-based): chr12:14,882,153, G>A on the plus strand (C>T on the coding strand, the complement: MGP is on the minus strand). VCF-style: chr12-14882153-G-A. GRCh37 (hg19) VCF-style: chr12-15035087-G-A.
Other names: c.373C>T, p.Arg125Ter (NM_001190839.3); short protein forms R125*, R100*.
Identifiers: ClinVar variation 2121329 (VCV002121329.4), dbSNP rs778737168, ClinGen allele CA384019655.
Genomic context (GRCh38, chr12:14,882,153, plus strand): 5'-GGTGCCAGCCTCCAGAAAAAAAGAGATTTTTTTTCTTCCCTCAGTCTCATTTGGTCCCTC[G>A]GCGCTTCCTGAAGTAGCGATTATAGGCAGCATTGTATCCATAAACCATGGCGTAGCGTTC-3'